The following is an entry in ClinVar:

ClinVar aggregate classification (germline): Uncertain significance. Review status: criteria provided, multiple submitters, no conflicts (2 of 4 stars). 2 submissions from 2 submitters: Uncertain significance (2). Last evaluated 2025-04-18.

Conditions:
Inborn genetic diseases. Identifiers: MedGen C0950123, MeSH D030342.
Charcot-Marie-Tooth disease dominant intermediate F. Identifiers: Orphanet 352670, MedGen C4749463, MONDO:0014074, OMIM 615185.

Allele frequency attached by ClinVar (database versions not stated): TOPMed 0.00001; gnomAD 0.00001.
gnomAD v4.1: 9 of 1,591,834 alleles (0.00057%); highest among the groups gnomAD compares: African/African-American, 0.0013%; no homozygotes.

Submissions (2):

Labcorp Genetics (formerly Invitae), Labcorp
Classification: Uncertain significance for Charcot-Marie-Tooth disease dominant intermediate F. Last evaluated: 2025-04-18. Review status: criteria provided, single submitter. Criteria: Invitae Variant Classification Sherloc (09022015). Collection method: clinical testing. Allele origin: germline.
Comment: This sequence change creates a premature translational stop signal (p.Arg137*) in the GNB4 gene. It is expected to result in an absent or disrupted protein product. However, the current clinical and genetic evidence is not sufficient to establish whether loss-of-function variants in GNB4 cause disease. This variant is not present in population databases (gnomAD no frequency). This variant has not been reported in the literature in individuals affected with GNB4-related conditions. ClinVar contains an entry for this variant (Variation ID: 1737808). Algorithms developed to predict the effect of sequence changes on RNA splicing suggest that this variant may disrupt the consensus splice site. In summary, the available evidence is currently insufficient to determine the role of this variant in disease. Therefore, it has been classified as a Variant of Uncertain Significance.

Ambry Genetics
Classification: Uncertain significance for Inborn genetic diseases. Last evaluated: 2020-09-15. Review status: criteria provided, single submitter. Criteria: Ambry Variant Classification Scheme 2023. Collection method: clinical testing. Allele origin: germline.
Comment: The p.R137* variant (also known as c.409C>T), located in coding exon 5 of the GNB4 gene, results from a C to T substitution at nucleotide position 409. This changes the amino acid from an arginine to a stop codon within coding exon 5. This alteration is expected to result in premature protein truncation or nonsense-mediated mRNA decay. However, loss of function of GNB4 has not been clearly established as a mechanism of disease. Since supporting evidence is limited at this time, the clinical significance of this alteration remains unclear.

NM_021629.4(GNB4):c.409C>T (p.Arg137Ter)

Gene: GNB4 (G protein subunit beta 4; minus strand). Cytogenetic location: 3q26.33.
Variant type: single nucleotide variant.
Coding change: c.409C>T on transcript NM_021629.4 (MANE Select); coding-DNA position 409, C replaced by T.
Protein change: p.Arg137Ter; replaces arginine 137 with a stop codon.
Molecular consequence: nonsense.
Genome position (GRCh38, 1-based): chr3:179,414,906, G>A on the plus strand (C>T on the coding strand, the complement: GNB4 is on the minus strand). VCF-style: chr3-179414906-G-A. GRCh37 (hg19) VCF-style: chr3-179132694-G-A.
Other names: short protein forms R137*.
Identifiers: ClinVar variation 1737808 (VCV001737808.4), dbSNP rs767993499, ClinGen allele CA88746518.